The following is an entry in ClinVar:

NM_000187.4(HGD):c.674G>C (p.Arg225Pro)

Gene: HGD (homogentisate 1,2-dioxygenase; minus strand). Cytogenetic location: 3q13.33.
Variant type: single nucleotide variant.
Coding change: c.674G>C on transcript NM_000187.4 (MANE Select); coding-DNA position 674, G replaced by C.
Protein change: p.Arg225Pro; replaces arginine 225 with proline.
Molecular consequence: missense variant.
Genome position (GRCh38, 1-based): chr3:120,644,419, C>G on the plus strand (G>C on the coding strand, the complement: HGD is on the minus strand). VCF-style: chr3-120644419-C-G. GRCh37 (hg19) VCF-style: chr3-120363266-C-G.
Other names: short protein forms R225P.
Identifiers: ClinVar variation 2627692 (VCV002627692.6), dbSNP rs562853291, ClinGen allele CA2560099.

ClinVar aggregate classification (germline): Likely pathogenic. Review status: criteria provided, multiple submitters, no conflicts (2 of 4 stars). 4 submissions from 4 submitters: Likely pathogenic (3). 1 of the submissions does not count toward it. Last evaluated 2026-07-20.

Conditions:
Alkaptonuria (AKU). Also called: Alcaptonuria; HOMOGENTISIC ACID OXIDASE DEFICIENCY; Homogentisic acidura; Alkaptonuric ochronosis. Identifiers: Orphanet 56, MedGen C0002066, MONDO:0008753, OMIM 203500.

Allele frequency attached by ClinVar (database versions not stated): ExAC 0.00001; 1000 Genomes Project 30x 0.00016; 1000 Genomes Project 0.00020.
gnomAD v4.1: 7 of 1,614,090 alleles (0.00043%); highest among the groups gnomAD compares: South Asian, 0.0066%; no homozygotes.

Submissions (4):

Myriad Genetics, Inc.
Classification: Likely pathogenic for Alkaptonuria. Last evaluated: 2026-07-20. Review status: criteria provided, single submitter. Criteria: Myriad Autosomal Dominant, Autosomal Recessive and X-Linked Classification Criteria (2023). Collection method: clinical testing. Allele origin: unknown.
Comment: NM_000187.3(HGD):c.674G>C(R225P) is a missense variant classified as likely pathogenic in the context of alkaptonuria. R225P has been observed in cases with relevant disease (PMID: 25681086, 39138584, Agarwal_2020_(Article)). Relevant functional assessments of this variant are not available in the literature. R225P has been observed in referenced population frequency databases. In summary, NM_000187.3(HGD):c.674G>C(R225P) is a missense variant that has been observed more frequently in cases with the relevant disease than in healthy populations. Please note: this variant was assessed in the context of healthy population screening.

Fulgent Genetics
Classification: Likely pathogenic for Alkaptonuria. Last evaluated: 2024-02-07. Review status: criteria provided, single submitter. Criteria: ACMG Guidelines, 2015. Collection method: clinical testing. Allele origin: germline.

Labcorp Genetics (formerly Invitae), Labcorp
Classification: Likely pathogenic for Alkaptonuria. Last evaluated: 2022-12-08. Review status: criteria provided, single submitter. Criteria: Invitae Variant Classification Sherloc (09022015). Collection method: clinical testing. Allele origin: germline.
Comment: In summary, the currently available evidence indicates that the variant is pathogenic, but additional data are needed to prove that conclusively. Therefore, this variant has been classified as Likely Pathogenic. This variant disrupts the p.Arg225 amino acid residue in HGD. Other variant(s) that disrupt this residue have been determined to be pathogenic (PMID: 12872836, 25681086). This suggests that this residue is clinically significant, and that variants that disrupt this residue are likely to be disease-causing. Advanced modeling of protein sequence and biophysical properties (such as structural, functional, and spatial information, amino acid conservation, physicochemical variation, residue mobility, and thermodynamic stability) performed at Invitae indicates that this missense variant is expected to disrupt HGD protein function. This missense change has been observed in individuals with Alkaptonuria (PMID: 25681086). This variant is not present in population databases (gnomAD no frequency). This sequence change replaces arginine, which is basic and polar, with proline, which is neutral and non-polar, at codon 225 of the HGD protein (p.Arg225Pro).

Department Of Human Genetics, Institute Of Clinical And Translational Research, Biomedical Research Center, Slovak Academy Of Sciences
Classification: Pathogenic for Alkaptonuria. Review status: no assertion criteria provided. Collection method: research. Allele origin: germline. Inheritance: Autosomal recessive inheritance. Affected: yes. Observed: 7 variant alleles. Not counted in ClinVar's aggregate classification.
Comment: The variant was originally described in AKU patients in PMID: 25681086. It has been submitted to the HGD gene mutation database (DB-ID: AKU_00AKU_00170).

Literature cited by the submitters: PubMed 12872836 (cited by Labcorp Genetics (formerly Invitae), Labcorp); PubMed 25681086 (cited by Labcorp Genetics (formerly Invitae), Labcorp and Department Of Human Genetics, Institute Of Clinical And Translational Research, Biomedical Research Center, Slovak Academy Of Sciences).